The following is an entry in ClinVar:

ClinVar aggregate classification (germline): Uncertain significance (1 of 4 stars; one submission).

gnomAD v4.1: 1 of 1,613,490 alleles (0.000062%); highest among the groups gnomAD compares: Non-Finnish European, 0.000085%; no homozygotes.

Submission:

Labcorp Genetics (formerly Invitae), Labcorp
Classification: Uncertain significance. Last evaluated: 2022-02-20. Review status: criteria provided, single submitter. Criteria: Invitae Variant Classification Sherloc (09022015). Collection method: clinical testing. Allele origin: germline.
Comment: In summary, the available evidence is currently insufficient to determine the role of this variant in disease. Therefore, it has been classified as a Variant of Uncertain Significance. Algorithms developed to predict the effect of missense changes on protein structure and function output the following: SIFT: "Deleterious"; PolyPhen-2: "Benign"; Align-GVGD: "Class C0". The valine amino acid residue is found in multiple mammalian species, which suggests that this missense change does not adversely affect protein function. This variant has not been reported in the literature in individuals affected with RP1-related conditions. This variant is not present in population databases (gnomAD no frequency). This sequence change replaces glycine, which is neutral and non-polar, with valine, which is neutral and non-polar, at codon 2101 of the RP1 protein (p.Gly2101Val).

NM_006269.2(RP1):c.6302G>T (p.Gly2101Val)

Gene: RP1 (RP1 axonemal microtubule associated; plus strand). Cytogenetic location: 8q12.1.
Variant type: single nucleotide variant.
Coding change: c.6302G>T on transcript NM_006269.2 (MANE Select); coding-DNA position 6302, G replaced by T.
Protein change: p.Gly2101Val; replaces glycine 2101 with valine.
Molecular consequence: missense variant. On other transcripts: intron variant (1).
Genome position (GRCh38, 1-based): chr8:54,630,184, G>T. VCF-style: chr8-54630184-G-T. GRCh37 (hg19) VCF-style: chr8-55542744-G-T.
Other names: c.787+7896G>T (NM_001375654.1); short protein forms G2101V.
Identifiers: ClinVar variation 2099994 (VCV002099994.4), dbSNP rs191325149, ClinGen allele CA370991726.
Genomic context (GRCh38, chr8:54,630,184, plus strand): 5'-CAAATCTCAACCAAGTAGTAAGAGAAAATATCAACTGTCATTACTTCTTTGAAATGCTTG[G>T]TCAAGCTTGCCTCTTAGATATTTGCCAAGTTGAGACCTCCTTAAATATTAGCAACAGAAA-3'
Protein context (NP_006260.1, residues 2091-2111): INCHYFFEML[Gly2101Val]QACLLDICQV